The following is an entry in ClinVar:

ClinVar aggregate classification (germline): Uncertain significance. Review status: criteria provided, multiple submitters, no conflicts (2 of 4 stars). 2 submissions from 2 submitters: Uncertain significance (2). Last evaluated 2025-05-15.

Conditions:
Hypertrophic cardiomyopathy. Also called: HYPERTROPHIC MYOCARDIOPATHY. Identifiers: Orphanet 217569, MedGen C0007194, MeSH D002312, MONDO:0005045, HP:0001639.

Submissions (2):

Labcorp Genetics (formerly Invitae), Labcorp
Classification: Uncertain significance for Hypertrophic cardiomyopathy. Last evaluated: 2025-05-15. Review status: criteria provided, single submitter. Criteria: Invitae Variant Classification Sherloc (09022015). Collection method: clinical testing. Allele origin: germline.
Comment: This sequence change replaces arginine, which is basic and polar, with serine, which is neutral and polar, at codon 858 of the MYH7 protein (p.Arg858Ser). This variant is not present in population databases (gnomAD no frequency). This variant has not been reported in the literature in individuals affected with MYH7-related conditions. ClinVar contains an entry for this variant (Variation ID: 164326). Invitae Evidence Modeling of protein sequence and biophysical properties (such as structural, functional, and spatial information, amino acid conservation, physicochemical variation, residue mobility, and thermodynamic stability) indicates that this missense variant is expected to disrupt MYH7 protein function with a positive predictive value of 95%. This variant disrupts the p.Arg858 amino acid residue in MYH7. Other variant(s) that disrupt this residue have been determined to be pathogenic (PMID: 15358028, 24093860, 28498465). This suggests that this residue is clinically significant, and that variants that disrupt this residue are likely to be disease-causing. In summary, the available evidence is currently insufficient to determine the role of this variant in disease. Therefore, it has been classified as a Variant of Uncertain Significance.

Laboratory for Molecular Medicine, Mass General Brigham Personalized Medicine
Classification: Uncertain significance. Last evaluated: 2014-04-04. Review status: criteria provided, single submitter. Criteria: LMM Criteria. Collection method: clinical testing. Allele origin: germline. Observed: 2 variant alleles.
Comment: proposed classification - variant undergoing re-assessment, contact laboratory

Literature cited by the submitters: PubMed 15358028 (cited by Labcorp Genetics (formerly Invitae), Labcorp); PubMed 24093860 (cited by Labcorp Genetics (formerly Invitae), Labcorp); PubMed 28498465 (cited by Labcorp Genetics (formerly Invitae), Labcorp).

NM_000257.4(MYH7):c.2572C>A (p.Arg858Ser)

Genes: MYH7 (myosin heavy chain 7; minus strand), LOC126861898 (BRD4-independent group 4 enhancer GRCh37_chr14:23893609-23894808; plus strand). Cytogenetic location: 14q11.2.
Variant type: single nucleotide variant.
Coding change: c.2572C>A on transcript NM_000257.4 (MANE Select); coding-DNA position 2572, C replaced by A.
Protein change: p.Arg858Ser; replaces arginine 858 with serine.
Molecular consequence: missense variant.
Genome position (GRCh38, 1-based): chr14:23,424,876, G>T on the plus strand (C>A on the coding strand, the complement: MYH7 is on the minus strand). VCF-style: chr14-23424876-G-T. GRCh37 (hg19) VCF-style: chr14-23894085-G-T.
Other names: short protein forms R858S.
Identifiers: ClinVar variation 164326 (VCV000164326.5), dbSNP rs2754158, ClinGen allele CA012639.